The following is an entry in ClinVar:

ClinVar aggregate classification (germline): Uncertain significance (1 of 4 stars; one submission).

Conditions:
Mitochondrial complex I deficiency, nuclear type 19. Also called: Mitochondrial complex 1 deficiency, nuclear type 19. Identifiers: MedGen C4748791, MONDO:0032624, OMIM 618241.

Submission:

Centre for Mendelian Genomics, University Medical Centre Ljubljana
Classification: Uncertain significance for Mitochondrial complex I deficiency, nuclear type 19. Last evaluated: 2019-11-13. Review status: criteria provided, single submitter. Criteria: ACMG Guidelines, 2015. Collection method: clinical testing. Allele origin: unknown. Affected: yes.
Comment: This variant was classified as: Uncertain significance. The available evidence on this variant's pathogenicity is insufficient or conflicting. The following ACMG criteria were applied in classifying this variant: PM2,PP3.

NM_017547.4(FOXRED1):c.972-3C>A

Gene: FOXRED1 (FAD dependent oxidoreductase domain containing 1; plus strand). Cytogenetic location: 11q24.2.
Variant type: single nucleotide variant.
Coding change: c.972-3C>A on transcript NM_017547.4 (MANE Select); 3 bases into the intron before coding-DNA position 972, C replaced by A.
Molecular consequence: intron variant.
Genome position (GRCh38, 1-based): chr11:126,276,391, C>A. VCF-style: chr11-126276391-C-A. GRCh37 (hg19) VCF-style: chr11-126146286-C-A.
Identifiers: ClinVar variation 931237 (VCV000931237.3), dbSNP rs781102596, ClinGen allele CA1139662429.